The following is an entry in ClinVar:

ClinVar aggregate classification (germline): Uncertain significance (1 of 4 stars; one submission).

Conditions:
Inborn genetic diseases. Identifiers: MedGen C0950123, MeSH D030342.

Submission:

Ambry Genetics
Classification: Uncertain significance for Inborn genetic diseases. Last evaluated: 2022-05-06. Review status: criteria provided, single submitter. Criteria: Ambry Variant Classification Scheme 2023. Collection method: clinical testing. Allele origin: germline.
Comment: The p.K485T variant (also known as c.1454A>C), located in coding exon 8 of the PIK3CA gene, results from an A to C substitution at nucleotide position 1454. The lysine at codon 485 is replaced by threonine, an amino acid with similar properties. This amino acid position is conserved. In addition, the in silico prediction for this alteration is inconclusive. Since supporting evidence is limited at this time, the clinical significance of this alteration remains unclear.

NM_006218.4(PIK3CA):c.1454A>C (p.Lys485Thr)

Gene: PIK3CA (phosphatidylinositol-4,5-bisphosphate 3-kinase catalytic subunit alpha; plus strand). Cytogenetic location: 3q26.32.
Variant type: single nucleotide variant.
Coding change: c.1454A>C on transcript NM_006218.4 (MANE Select); coding-DNA position 1454, A replaced by C.
Protein change: p.Lys485Thr; replaces lysine 485 with threonine.
Molecular consequence: missense variant.
Genome position (GRCh38, 1-based): chr3:179,210,480, A>C. VCF-style: chr3-179210480-A-C. GRCh37 (hg19) VCF-style: chr3-178928268-A-C.
Other names: short protein forms K485T.
Identifiers: ClinVar variation 1773011 (VCV001773011.2), dbSNP rs2108401395, ClinGen allele CA355262504.